The following is an entry in ClinVar:

NM_007294.4(BRCA1):c.230C>G (p.Thr77Arg)

Gene: BRCA1 (BRCA1 DNA repair associated; minus strand). Cytogenetic location: 17q21.31.
Variant type: single nucleotide variant.
Coding change: c.230C>G on transcript NM_007294.4 (MANE Select); coding-DNA position 230, C replaced by G.
Protein change: p.Thr77Arg; replaces threonine 77 with arginine.
Molecular consequence: missense variant. On other transcripts: non-coding transcript variant (1).
Genome position (GRCh38, 1-based): chr17:43,104,939, G>C on the plus strand (C>G on the coding strand, the complement: BRCA1 is on the minus strand). VCF-style: chr17-43104939-G-C. GRCh37 (hg19) VCF-style: chr17-41256956-G-C.
Other names: c.20C>G, p.Thr7Arg (NM_001407571.1, NM_001407853.1, NM_001407879.1 and 58 more transcripts); c.230C>G, p.Thr77Arg (NM_001407581.1, NM_001407582.1, NM_001407583.1 and 168 more transcripts); c.152C>G, p.Thr51Arg (NM_001407653.1, NM_001407654.1, NM_001407655.1 and 21 more transcripts); c.89C>G, p.Thr30Arg (NM_001407692.1, NM_001407694.1, NM_001407695.1 and 99 more transcripts); c.-152C>G (NM_001407959.1, NM_001407960.1, NM_001407962.1 and 4 more transcripts); c.98C>G, p.Thr33Arg (NM_001408451.1); short protein forms T77R, T30R, T51R, T33R, T7R.
Identifiers: ClinVar variation 54528 (VCV000054528.17), dbSNP rs80357209, ClinGen allele CA001538.
Genomic context (GRCh38, chr17:43,104,939, plus strand): 5'-GTGTCAAGCTGAAAAGCACAAATGATTTTCAATAGCTCTTCAACAAGTTGACTAAATCTC[G>C]TACTTTCTTGTAGGCTCCTGAAATTAAATTGTTTGAGAAACACACTCAGCAAGTGATTAT-3'
Protein context (NP_009225.1, residues 67-87): DITKRSLQES[Thr77Arg]RFSQLVEELL

ClinVar aggregate classification (germline): Conflicting classifications of pathogenicity. Review status: criteria provided, conflicting classifications (1 of 4 stars). 6 submissions from 6 submitters: Uncertain significance (2); Likely benign (2). 2 of the submissions do not count toward it. Last evaluated 2025-05-05.

Conditions:
Hereditary cancer-predisposing syndrome. Also called: Tumor predisposition; Neoplastic Syndromes, Hereditary; Hereditary Cancer Syndrome; Hereditary neoplastic syndrome. Identifiers: Orphanet 140162, MedGen C0027672, MeSH D009386, MONDO:0015356.
Hereditary breast ovarian cancer syndrome. Also called: Hereditary breast and ovarian cancer syndrome (HBOC); Hereditary breast and ovarian cancer syndrome; Hereditary breast and ovarian cancer; Hereditary breast and/or ovarian cancer syndrome; Breast and ovarian cancer; BRCA1- and BRCA2-Associated Hereditary Breast and Ovarian Cancer. Identifiers: Orphanet 145, MedGen C0677776, MeSH D061325, MONDO:0003582. Disease mechanism: loss of function.
Breast-ovarian cancer, familial, susceptibility to, 1 (BROVCA1). Also called: OVARIAN CANCER, SUSCEPTIBILITY TO; BRCA1 Hereditary Breast and Ovarian Cancer. Identifiers: Orphanet 145, MedGen C2676676, MONDO:0011450, OMIM 604370. Disease mechanism: loss of function.
Familial cancer of breast. Also called: Hereditary breast cancer; hereditary breast carcinoma; BREAST CANCER, FAMILIAL. Identifiers: Orphanet 227535, MedGen C0346153, MONDO:0016419, OMIM 114480. Disease mechanism: loss of function.

gnomAD v4.1: 1 of 1,613,506 alleles (0.000062%); highest among the groups gnomAD compares: South Asian, 0.0011%; no homozygotes.

Submissions (7):

Labcorp Genetics (formerly Invitae), Labcorp
Classification: Uncertain significance for Hereditary breast ovarian cancer syndrome. Last evaluated: 2025-05-05. Review status: criteria provided, single submitter. Criteria: Invitae Variant Classification Sherloc (09022015). Collection method: clinical testing. Allele origin: germline.
Comment: This sequence change replaces threonine, which is neutral and polar, with arginine, which is basic and polar, at codon 77 of the BRCA1 protein (p.Thr77Arg). This variant is not present in population databases (gnomAD no frequency). This missense change has been observed in individual(s) with breast cancer (PMID: 21918854). ClinVar contains an entry for this variant (Variation ID: 54528). Invitae Evidence Modeling of protein sequence and biophysical properties (such as structural, functional, and spatial information, amino acid conservation, physicochemical variation, residue mobility, and thermodynamic stability) indicates that this missense variant is expected to disrupt BRCA1 protein function with a positive predictive value of 80%. Experimental studies have shown that this missense change does not substantially affect BRCA1 function (PMID: 25823446, 30209399). RNA analysis performed to evaluate the impact of this missense change on mRNA splicing indicates it does not significantly alter splicing (internal data). In summary, the available evidence is currently insufficient to determine the role of this variant in disease. Therefore, it has been classified as a Variant of Uncertain Significance.

Institute for Biomarker Research, Medical Diagnostic Laboratories, L.L.C.
Classification: Uncertain significance for Hereditary breast ovarian cancer syndrome. Last evaluated: 2025-01-03. Review status: criteria provided, single submitter. Criteria: ACMG Guidelines, 2015. Collection method: clinical testing. Allele origin: germline.
Comment: The missense variant NM_007294.4(BRCA1):c.230C>G (p.Thr77Arg) has not been reported previously as a pathogenic variant, to our knowledge. The p.Thr77Arg variant is novel (not in any individuals) in gnomAD. There is a moderate physicochemical difference between threonine and arginine. The gene BRCA1 has a low rate of benign missense variation as indicated by a high missense variants Z-Score of 2.32. The p.Thr77Arg missense variant is predicted to be damaging by both SIFT and PolyPhen2. The nucleotide c.230 in BRCA1 is predicted conserved by GERP++ and PhyloP across 100 vertebrates. For these reasons, this variant has been classified as Uncertain Significance.

Lupski Lab, Baylor-Hopkins CMG, Baylor College of Medicine
Classification: Likely benign for Breast-ovarian cancer, familial, susceptibility to, 1. Last evaluated: 2024-04-12. Review status: criteria provided, single submitter. Criteria: Dawood et al. (medRxiv. 2024). Collection method: curation. Allele origin: germline.
Comment: Each variant was annotated with functional scores from MAVE data which was translated into functional evidence codes. All other evidence codes and combining criteria were adhered to as closely as possible based on the ClinGen VCEP (Variant Curation Expert Panel) gene-specific recommendations. See Supplemental Figure 34 of final paper (Supp Fig. 28 in preprint: doi:10.1101/2024.04.11.24305690) for a table to see which lines of evidence we did not have data for. The ClinGen VCEPs are highly regarded as the gold-standard for gene-specific variant curation and are developed after extensive evaluation of the evidence by clinical and scientific experts for the particular gene to classify genomic variants on a spectrum from pathogenic to benign using the 2015 ACMG/AMP Variant Interpretation Guidelines as a backbone (PMID: 25741868). Reclassification of these VUS variants from gnomAD or All of Us focused only on variants originally prescribed as VUS in ClinVar. To ensure reproducibility, transparency, and increased throughput, all the procedures for annotating variants and assigning evidence codes were codified using Python. All code has been made freely available and is linked in the Code Availability section and all reclassified variants with evidence codes used can be found in Tables S18-19 (preprint: doi:10.1101/2024.04.11.24305690). For the MAVE data, the clinical curation and clinical strength assignment as per the ClinGen recommendations in Brnich et al. (2020) (PMID: 31892348) for or against pathogenicity or benignity of each of these MAVE datasets utilized in this study were previously published in Fayer et al. (2021) (PMID: 34793697).In brief, for BRCA1 variants, if a variant was categorized as FUNC (functional), it was assigned BS3 evidence and no PS3 evidence, whereas if it was categorized as LOF (loss of function), the variant was assigned PS3 evidence and no BS3 evidence. Variants categorized as INT (intermediate) were left unannotated. For the BRCA1 combining criteria, greater than or equal to 1 criteria of strong benign evidence was enough to reclassify the VUS as Likely Benign. This variant GRCh38:17:43104939:G>C was assigned evidence codes ['BS3'] and an overall classification of Likely benign

Ambry Genetics
Classification: Likely benign for Hereditary cancer-predisposing syndrome. Last evaluated: 2023-08-03. Review status: criteria provided, single submitter. Criteria: Ambry Variant Classification Scheme 2023. Collection method: clinical testing. Allele origin: germline.

Counsyl
Classification: Uncertain significance for Breast-ovarian cancer, familial, susceptibility to, 1. Last evaluated: 2017-10-19. Review status: no assertion criteria provided. Collection method: clinical testing. Allele origin: unknown. Not counted in ClinVar's aggregate classification.

Brotman Baty Institute, University of Washington
No classification provided (evidence only). Condition: Breast-ovarian cancer, familial 1. Review status: no classification provided. Collection method: in vitro. Allele origin: not applicable. Functional consequence: functionally_normal. Not counted in ClinVar's aggregate classification.
ClinVar note: "not provided" was previously submitted as the classification for the variant. However, the classification appeared to be based only on an observation of functional data so it was converted to no classification on 2025-07-30.

ClinVar Staff, National Center for Biotechnology Information (NCBI)
No classification provided. Condition: Familial cancer of breast. Review status: no classification provided. Collection method: literature only. Allele origin: germline. Affected: yes. Not counted in ClinVar's aggregate classification.

Literature cited by the submitters: PubMed 21918854 (cited by 4 submitters); PubMed 25823446 (cited by Labcorp Genetics (formerly Invitae), Labcorp); PubMed 30209399 (cited by Labcorp Genetics (formerly Invitae), Labcorp and Ambry Genetics); PubMed 39142283 (cited by Lupski Lab, Baylor-Hopkins CMG, Baylor College of Medicine); PubMed 34793697 (cited by Lupski Lab, Baylor-Hopkins CMG, Baylor College of Medicine); DOI 10.1101/2024.04.11.24305690 (cited by Lupski Lab, Baylor-Hopkins CMG, Baylor College of Medicine); PubMed 24326041 (cited by Counsyl).